The following is an entry in ClinVar:

NM_001972.4(ELANE):c.567C>G (p.Leu189=)

Gene: ELANE (elastase, neutrophil expressed; plus strand). Cytogenetic location: 19p13.3.
Variant type: single nucleotide variant.
Coding change: c.567C>G on transcript NM_001972.4 (MANE Select); coding-DNA position 567, C replaced by G.
Protein change: p.Leu189=; no amino-acid change (leucine 189 retained).
Molecular consequence: synonymous variant.
Genome position (GRCh38, 1-based): chr19:855,764, C>G. VCF-style: chr19-855764-C-G. GRCh37 (hg19) VCF-style: chr19-855764-C-G.
Other names: c.567C>G (LRG_57t1).
Identifiers: ClinVar variation 641103 (VCV000641103.11), dbSNP rs751132983, ClinGen allele CA504882019.

ClinVar aggregate classification (germline): Uncertain significance (1 of 4 stars; one submission).

Conditions:
Neutropenia, severe congenital, 1, autosomal dominant. Identifiers: MedGen C1859966, MONDO:0042490, OMIM 202700.
Cyclical neutropenia. Also called: Cyclic hematopoiesis; Cyclic Neutropenia. Identifiers: Orphanet 2686, MedGen C0221023, MONDO:0008090, OMIM 162800, HP:0040289. Disease mechanism: loss of function.

Submission:

Labcorp Genetics (formerly Invitae), Labcorp
Classification: Uncertain significance for Neutropenia, severe congenital, 1, autosomal dominant; Cyclical neutropenia. Last evaluated: 2018-07-16. Review status: criteria provided, single submitter. Criteria: Invitae Variant Classification Sherloc (09022015). Collection method: clinical testing. Allele origin: germline.
Comment: In summary, the available evidence is currently insufficient to determine the role of this variant in disease. Therefore, it has been classified as a Variant of Uncertain Significance. Experimental studies have shown that this sequence change affects mRNA splicing (PMID: 23463630). This variant has been observed in an individual affected with cyclic neutropenia (PMID: 23463630). This variant is not present in population databases (ExAC no frequency). This sequence change affects codon 189 of the ELANE mRNA. It is a 'silent' change, meaning that it does not change the encoded amino acid sequence of the ELANE protein.

Literature cited by the submitters: PubMed 23463630.